The following is an entry in ClinVar:

ClinVar aggregate classification (germline): Uncertain significance. Review status: criteria provided, multiple submitters, no conflicts (2 of 4 stars). 2 submissions from 2 submitters: Uncertain significance (2). Last evaluated 2025-01-27.

Conditions:
Pitt-Hopkins-like syndrome 2 (PTHSL2). Identifiers: Orphanet 221150, Orphanet 600663, MedGen C3280479, MONDO:0013690, OMIM 614325.
Inborn genetic diseases. Identifiers: MedGen C0950123, MeSH D030342.

Allele frequency attached by ClinVar (database versions not stated): gnomAD exomes below 0.00001; gnomAD 0.00001.
gnomAD v4.1: 5 of 1,613,122 alleles (0.00031%); highest among the groups gnomAD compares: South Asian, 0.0022%; no homozygotes.

Submissions (2):

Labcorp Genetics (formerly Invitae), Labcorp
Classification: Uncertain significance for Pitt-Hopkins-like syndrome 2. Last evaluated: 2025-01-27. Review status: criteria provided, single submitter. Criteria: Invitae Variant Classification Sherloc (09022015). Collection method: clinical testing. Allele origin: germline.
Comment: This sequence change replaces serine, which is neutral and polar, with leucine, which is neutral and non-polar, at codon 1212 of the NRXN1 protein (p.Ser1212Leu). This variant is not present in population databases (gnomAD no frequency). This variant has not been reported in the literature in individuals affected with NRXN1-related conditions. ClinVar contains an entry for this variant (Variation ID: 2486053). Invitae Evidence Modeling of protein sequence and biophysical properties (such as structural, functional, and spatial information, amino acid conservation, physicochemical variation, residue mobility, and thermodynamic stability) indicates that this missense variant is not expected to disrupt NRXN1 protein function with a negative predictive value of 80%. In summary, the available evidence is currently insufficient to determine the role of this variant in disease. Therefore, it has been classified as a Variant of Uncertain Significance.

Ambry Genetics
Classification: Uncertain significance for Inborn genetic diseases. Last evaluated: 2023-02-16. Review status: criteria provided, single submitter. Criteria: Ambry Variant Classification Scheme 2023. Collection method: clinical testing. Allele origin: germline.

NM_001330078.2(NRXN1):c.3515C>T (p.Ser1172Leu)

Gene: NRXN1 (neurexin 1; minus strand). Cytogenetic location: 2p16.3.
Variant type: single nucleotide variant.
Coding change: c.3515C>T on transcript NM_001330078.2 (MANE Select); coding-DNA position 3515, C replaced by T.
Protein change: p.Ser1172Leu; replaces serine 1172 with leucine.
Molecular consequence: missense variant.
Genome position (GRCh38, 1-based): chr2:50,236,820, G>A on the plus strand (C>T on the coding strand, the complement: NRXN1 is on the minus strand). VCF-style: chr2-50236820-G-A. GRCh37 (hg19) VCF-style: chr2-50463958-G-A.
Other names: c.3635C>T, p.Ser1212Leu (NM_001135659.3); c.3491C>T, p.Ser1164Leu (NM_001330077.2, NM_001330082.2); c.3449C>T, p.Ser1150Leu (NM_001330083.2, NM_001330084.2); c.3488C>T, p.Ser1163Leu (NM_001330085.2); c.3515C>T, p.Ser1172Leu (NM_001330086.2, NM_004801.6); c.3404C>T, p.Ser1135Leu (NM_001330087.2, NM_001330096.2); c.3434C>T, p.Ser1145Leu (NM_001330088.2); c.410C>T, p.Ser137Leu (NM_001330091.2, NM_001330092.2, NM_001330097.2 and 1 more transcripts); and 3 more; short protein forms S1145L, S1172L, S1150L, S1163L, S1164L, S1212L, S1135L, S1155L.
Identifiers: ClinVar variation 2486053 (VCV002486053.4), dbSNP rs2065479270, ClinGen allele CA346820834.